The following is an entry in ClinVar:

ClinVar aggregate classification (germline): Likely benign. Review status: criteria provided, multiple submitters, no conflicts (2 of 4 stars). 6 submissions from 6 submitters: Likely benign (5). 1 of the submissions does not count toward it. Last evaluated 2026-01-19.

Conditions:
ELN-related disorder.
Supravalvar aortic stenosis (SVAS). Also called: Supravalvar aortic stenosis, Eisenberg type. Identifiers: Orphanet 3193, MedGen C0003499, MONDO:0008504, OMIM 185500, HP:0004381.

Allele frequency attached by ClinVar (database versions not stated): ESP Exome Variant Server 0.00008; TOPMed 0.00023; gnomAD 0.00025.
gnomAD v4.1: 344 of 1,613,424 alleles (0.021%); highest among the groups gnomAD compares: Non-Finnish European, 0.026%; no homozygotes.

Submissions (6):

Labcorp Genetics (formerly Invitae), Labcorp
Classification: Likely benign for Supravalvar aortic stenosis. Last evaluated: 2026-01-19. Review status: criteria provided, single submitter. Criteria: Invitae Variant Classification Sherloc (09022015). Collection method: clinical testing. Allele origin: germline.

Molecular Diagnostic Laboratory for Inherited Cardiovascular Disease, Montreal Heart Institute
Classification: Likely benign. Last evaluated: 2025-04-09. Review status: criteria provided, single submitter. Criteria: ACMG Guidelines, 2015. Collection method: clinical testing. Allele origin: germline. Affected: no.

Blueprint Genetics
Classification: Likely benign. Last evaluated: 2024-11-26. Review status: criteria provided, single submitter. Criteria: ACMG Guidelines, 2015. Collection method: clinical testing. Allele origin: germline.

CeGaT Center for Human Genetics Tuebingen
Classification: Likely benign. Last evaluated: 2022-05-01. Review status: criteria provided, single submitter. Criteria: CeGaT Center For Human Genetics Tuebingen Variant Classification Criteria Version 2. Collection method: clinical testing. Allele origin: germline. Affected: yes. Observed: 2 variant alleles.
Comment: ELN: BP4, BP7

GeneDx
Classification: Likely benign. Last evaluated: 2020-06-12. Review status: criteria provided, single submitter. Criteria: GeneDx Variant Classification Process June 2021. Collection method: clinical testing. Allele origin: germline. Affected: yes.

PreventionGenetics, part of Exact Sciences
Classification: Likely benign for ELN-related condition. Last evaluated: 2019-03-27. Review status: no assertion criteria provided. Collection method: clinical testing. Allele origin: germline. Not counted in ClinVar's aggregate classification.
Comment: This variant is classified as likely benign based on ACMG/AMP sequence variant interpretation guidelines (Richards et al. 2015 PMID: 25741868, with internal and published modifications).

NM_000501.4(ELN):c.930C>T (p.Ala310=)

Gene: ELN (elastin; plus strand). Cytogenetic location: 7q11.23.
Variant type: single nucleotide variant.
Coding change: c.930C>T on transcript NM_000501.4 (MANE Select); coding-DNA position 930, C replaced by T.
Protein change: p.Ala310=; no amino-acid change (alanine 310 retained).
Molecular consequence: synonymous variant.
Genome position (GRCh38, 1-based): chr7:74,051,964, C>T. VCF-style: chr7-74051964-C-T. GRCh37 (hg19) VCF-style: chr7-73466294-C-T.
Other names: c.900C>T, p.Ala300= (NM_001081752.3, NM_001278917.2); c.945C>T, p.Ala315= (NM_001081753.3, NM_001081754.3); c.930C>T, p.Ala310= (NM_001081755.3, NM_001278912.2, NM_001278915.2 and 1 more transcripts); c.822C>T, p.Ala274= (NM_001278913.2); c.915C>T, p.Ala305= (NM_001278914.2); c.888C>T, p.Ala296= (NM_001278916.2); c.798C>T, p.Ala266= (NM_001278918.2).
Identifiers: ClinVar variation 360641 (VCV000360641.57), dbSNP rs147367888, ClinGen allele CA4292767.
Genomic context (GRCh38, chr7:74,051,964, plus strand): 5'-CTCTGTGGCTGTGTTTTCAGGCGTTGGGACTCCAGCTGCAGCTGCAGCTGCAGCAGCAGC[C>T]GCTAAGGCAGCCAAGTATGGTGAGTGCCTCCCGGGGTGGCAAGTCCACGGCTCGGGCCCC-3'
Protein context (NP_000492.2, residues 300-320): TPAAAAAAAA[Ala310=]AKAAKYGAAA